The following is an entry in ClinVar:

NM_030662.4(MAP2K2):c.42C>T (p.Ile14=)

Genes: MAP2K2 (mitogen-activated protein kinase kinase 2; minus strand), LOC130063193 (ATAC-STARR-seq lymphoblastoid silent region 9881; plus strand). Cytogenetic location: 19p13.3.
Variant type: single nucleotide variant.
Coding change: c.42C>T on transcript NM_030662.4 (MANE Select); coding-DNA position 42, C replaced by T.
Protein change: p.Ile14=; no amino-acid change (isoleucine 14 retained).
Molecular consequence: synonymous variant.
Genome position (GRCh38, 1-based): chr19:4,123,834, G>A on the plus strand (C>T on the coding strand, the complement: MAP2K2 is on the minus strand). VCF-style: chr19-4123834-G-A. GRCh37 (hg19) VCF-style: chr19-4123831-G-A.
Identifiers: ClinVar variation 386639 (VCV000386639.2), dbSNP rs1057522557, ClinGen allele CA16608185.

ClinVar aggregate classification (germline): Likely benign. Review status: criteria provided, multiple submitters, no conflicts (2 of 4 stars). 2 submissions from 2 submitters: Likely benign (2). Last evaluated 2019-09-27.

Submissions (2):

Women's Health and Genetics/Laboratory Corporation of America, LabCorp
Classification: Likely benign. Last evaluated: 2019-09-27. Review status: criteria provided, single submitter. Criteria: LabCorp Variant Classification Summary - May 2015. Collection method: clinical testing. Allele origin: germline.

GeneDx
Classification: Likely benign. Last evaluated: 2016-06-28. Review status: criteria provided, single submitter. Criteria: GeneDx Variant Classification (06012015). Collection method: clinical testing. Allele origin: germline. Affected: yes.
Comment: This variant is considered likely benign or benign based on one or more of the following criteria: it is a conservative change, it occurs at a poorly conserved position in the protein, it is predicted to be benign by multiple in silico algorithms, and/or has population frequency not consistent with disease.